The following is an entry in ClinVar:

NM_003872.3(NRP2):c.22T>C (p.Trp8Arg)

Gene: NRP2 (neuropilin 2; plus strand). Cytogenetic location: 2q33.3.
Variant type: single nucleotide variant.
Coding change: c.22T>C on transcript NM_003872.3 (MANE Select); coding-DNA position 22, T replaced by C.
Protein change: p.Trp8Arg; replaces tryptophan 8 with arginine.
Molecular consequence: missense variant.
Genome position (GRCh38, 1-based): chr2:205,683,312, T>C. VCF-style: chr2-205683312-T-C. GRCh37 (hg19) VCF-style: chr2-206548036-T-C.
Other names: c.22T>C, p.Trp8Arg (NM_018534.4, NM_201264.2, NM_201266.2 and 2 more transcripts); short protein forms W8R.
Identifiers: ClinVar variation 4991138 (VCV004991138.1).

ClinVar aggregate classification (germline): Uncertain significance (1 of 4 stars; one submission).

Conditions:
NRP2-related disorder. Also called: NRP2-related condition.

gnomAD v4.1: 2 of 1,613,876 alleles (0.00012%); highest among the groups gnomAD compares: South Asian, 0.0011%; no homozygotes.

Submission:

PreventionGenetics, part of Exact Sciences
Classification: Uncertain significance for NRP2-related condition. Last evaluated: 2026-03-13. Review status: criteria provided, single submitter. Criteria: ACMG Guidelines, 2015. Collection method: clinical testing. Allele origin: germline.
Comment: The NRP2 c.22T>C variant is predicted to result in the amino acid substitution p.Trp8Arg. To our knowledge, this variant has not been reported in the literature or in a large population database (gnomAD), indicating this variant is rare. At this time, the clinical significance of this variant is uncertain due to the absence of conclusive functional and genetic evidence.